The following is an entry in ClinVar:

NM_006648.4(WNK2):c.55C>T (p.Arg19Cys)

Gene: WNK2 (WNK lysine deficient protein kinase 2; plus strand). Cytogenetic location: 9q22.31.
Variant type: single nucleotide variant.
Coding change: c.55C>T on transcript NM_006648.4 (MANE Select); coding-DNA position 55, C replaced by T.
Protein change: p.Arg19Cys; replaces arginine 19 with cysteine.
Molecular consequence: missense variant.
Genome position (GRCh38, 1-based): chr9:93,184,984, C>T. VCF-style: chr9-93184984-C-T. GRCh37 (hg19) VCF-style: chr9-95947266-C-T.
Other names: c.55C>T, p.Arg19Cys (NM_001282394.3); short protein forms R19C.
Identifiers: ClinVar variation 3817160 (VCV003817160.1).

ClinVar aggregate classification (germline): Uncertain significance (1 of 4 stars; one submission).

Submission:

Ambry Genetics
Classification: Uncertain significance. Last evaluated: 2025-02-26. Review status: criteria provided, single submitter. Criteria: Ambry Variant Classification Scheme 2023. Collection method: clinical testing. Allele origin: germline.
Comment: The p.R19C variant (also known as c.55C>T), located in coding exon 1 of the WNK2 gene, results from a C to T substitution at nucleotide position 55. The arginine at codon 19 is replaced by cysteine, an amino acid with highly dissimilar properties. This amino acid position is conserved. In addition, this alteration is predicted to be tolerated by in silico analysis. Based on the available evidence, the clinical significance of this variant remains unclear.